The following is an entry in ClinVar:

NM_001365536.1(SCN9A):c.5555A>C (p.Glu1852Ala)

Genes: SCN1A-AS1 (SCN1A and SCN9A antisense RNA 1; plus strand), SCN9A (sodium voltage-gated channel alpha subunit 9; minus strand). Cytogenetic location: 2q24.3.
Variant type: single nucleotide variant.
Coding change: c.5555A>C on transcript NM_001365536.1 (MANE Select); coding-DNA position 5555, A replaced by C.
Protein change: p.Glu1852Ala; replaces glutamic acid 1852 with alanine.
Molecular consequence: missense variant.
Genome position (GRCh38, 1-based): chr2:166,199,084, T>G on the plus strand (A>C on the coding strand, the complement: SCN9A is on the minus strand). VCF-style: chr2-166199084-T-G. GRCh37 (hg19) VCF-style: chr2-167055594-T-G.
Other names: c.5522A>C, p.Glu1841Ala (NM_002977.4); short protein forms E1841A, E1852A.
Identifiers: ClinVar variation 583066 (VCV000583066.12), dbSNP rs201483184, ClinGen allele CA59783298.

ClinVar aggregate classification (germline): Uncertain significance. Review status: criteria provided, multiple submitters, no conflicts (2 of 4 stars). 4 submissions from 4 submitters: Uncertain significance (4). Last evaluated 2024-09-05.

Conditions:
Inborn genetic diseases. Identifiers: MedGen C0950123, MeSH D030342.
Generalized epilepsy with febrile seizures plus, type 7 (GEFSP7). Also called: GEFS+, TYPE 7. Identifiers: Orphanet 36387, MedGen C2751778, MONDO:0013470, OMIM 613863.
Neuropathy, hereditary sensory and autonomic, type 2A (HSAN2A). Also called: WNK1-Related HSAN2 (HSAN2A); HSAN IIA; MORVAN DISEASE; NEUROPATHY, CONGENITAL SENSORY; NEUROPATHY, HEREDITARY SENSORY RADICULAR, AUTOSOMAL RECESSIVE; NEUROPATHY, HEREDITARY SENSORY, TYPE IIA. Identifiers: Orphanet 970, MedGen C2752089, MONDO:0024309, OMIM 201300.
Channelopathy-associated congenital insensitivity to pain, autosomal recessive. Also called: Insensitivity to pain, channelopathy-associated; ASYMBOLIA FOR PAIN; CONGENITAL ANALGESIA, AUTOSOMAL RECESSIVE. Identifiers: Orphanet 88642, Orphanet 970, MedGen C1855739, MONDO:0009459, OMIM 243000.

Allele frequency attached by ClinVar (database versions not stated): TOPMed 0.00002; gnomAD exomes below 0.00001 and 0.00002; gnomAD 0.00001.
gnomAD v4.1: 12 of 1,614,032 alleles (0.00074%); highest among the groups gnomAD compares: Non-Finnish European, 0.001%; no homozygotes.

Submissions (4):

Blueprint Genetics
Classification: Uncertain significance. Last evaluated: 2024-09-05. Review status: criteria provided, single submitter. Criteria: ACMG Guidelines, 2015. Collection method: clinical testing. Allele origin: germline.

Labcorp Genetics (formerly Invitae), Labcorp
Classification: Uncertain significance for Neuropathy, hereditary sensory and autonomic, type 2A; Generalized epilepsy with febrile seizures plus, type 7. Last evaluated: 2024-05-12. Review status: criteria provided, single submitter. Criteria: Invitae Variant Classification Sherloc (09022015). Collection method: clinical testing. Allele origin: germline.
Comment: This sequence change replaces glutamic acid, which is acidic and polar, with alanine, which is neutral and non-polar, at codon 1841 of the SCN9A protein (p.Glu1841Ala). This variant is present in population databases (rs201483184, gnomAD 0.0009%). This variant has not been reported in the literature in individuals affected with SCN9A-related conditions. ClinVar contains an entry for this variant (Variation ID: 583066). Advanced modeling of protein sequence and biophysical properties (such as structural, functional, and spatial information, amino acid conservation, physicochemical variation, residue mobility, and thermodynamic stability) performed at Invitae indicates that this missense variant is not expected to disrupt SCN9A protein function with a negative predictive value of 80%. In summary, the available evidence is currently insufficient to determine the role of this variant in disease. Therefore, it has been classified as a Variant of Uncertain Significance.

Ambry Genetics
Classification: Uncertain significance for Inborn genetic diseases. Last evaluated: 2022-11-17. Review status: criteria provided, single submitter. Criteria: Ambry Variant Classification Scheme 2023. Collection method: clinical testing. Allele origin: germline.

Laboratory of Medical Genetics, National & Kapodistrian University of Athens
Classification: Uncertain significance for Channelopathy-associated congenital insensitivity to pain, autosomal recessive. Last evaluated: 2021-08-10. Review status: criteria provided, single submitter. Criteria: ACMG Guidelines, 2015. Collection method: clinical testing. Allele origin: maternal. Affected: yes.
Comment: PM2, PP2, PP3